The following is an entry in ClinVar:

ClinVar aggregate classification (germline): Conflicting classifications of pathogenicity. Review status: criteria provided, conflicting classifications (1 of 4 stars). 3 submissions from 3 submitters: Uncertain significance (1); Likely benign (2). Last evaluated 2025-03-27.

Conditions:
Colorectal cancer. Also called: Malignant Colorectal Neoplasm; Colorectal cancer, somatic. Identifiers: MedGen C0346629, MONDO:0005575, OMIM 114500.
Rubinstein-Taybi syndrome due to EP300 haploinsufficiency. Also called: EP300-Related Rubinstein-Taybi Syndrome; RUBINSTEIN-TAYBI SYNDROME 2. Identifiers: Orphanet 353284, Orphanet 783, MedGen C3150941, MONDO:0013364, OMIM 613684.
EP300-related disorder. Also called: EP300-related disorders; EP300-related condition.

Allele frequency attached by ClinVar (database versions not stated): ExAC 0.00001; gnomAD exomes 0.00001.
gnomAD v4.1: 22 of 1,613,506 alleles (0.0014%); highest among the groups gnomAD compares: East Asian, 0.0022%; no homozygotes.

Submissions (3):

PreventionGenetics, part of Exact Sciences
Classification: Uncertain significance for EP300-related condition. Last evaluated: 2025-03-27. Review status: criteria provided, single submitter. Criteria: ACMG Guidelines, 2015. Collection method: clinical testing. Allele origin: germline.
Comment: The EP300 c.2513G>A variant is predicted to result in the amino acid substitution p.Arg838His. To our knowledge, this variant has not been reported in the literature. This variant is reported in 0.0099% of alleles in individuals of Ashkenazi Jewish descent in gnomAD. At this time, the clinical significance of this variant is uncertain due to the absence of conclusive functional and genetic evidence.

Blueprint Genetics
Classification: Likely benign. Last evaluated: 2022-08-08. Review status: criteria provided, single submitter. Criteria: ACMG Guidelines, 2015. Collection method: clinical testing. Allele origin: germline.

Labcorp Genetics (formerly Invitae), Labcorp
Classification: Likely benign for Rubinstein-Taybi syndrome 2; Colorectal cancer. Last evaluated: 2019-12-31. Review status: criteria provided, single submitter. Criteria: Invitae Variant Classification Sherloc (09022015). Collection method: clinical testing. Allele origin: germline.

NM_001429.4(EP300):c.2513G>A (p.Arg838His)

Gene: EP300 (EP300 lysine acetyltransferase; plus strand). Cytogenetic location: 22q13.2.
Variant type: single nucleotide variant.
Coding change: c.2513G>A on transcript NM_001429.4 (MANE Select); coding-DNA position 2513, G replaced by A.
Protein change: p.Arg838His; replaces arginine 838 with histidine.
Molecular consequence: missense variant.
Genome position (GRCh38, 1-based): chr22:41,149,894, G>A. VCF-style: chr22-41149894-G-A. GRCh37 (hg19) VCF-style: chr22-41545898-G-A.
Other names: c.2435G>A, p.Arg812His (NM_001362843.2); short protein forms R838H, R812H.
Identifiers: ClinVar variation 718260 (VCV000718260.6), dbSNP rs774840930, ClinGen allele CA10252891.